The following is an entry in ClinVar:

ClinVar aggregate classification (germline): Likely benign (1 of 4 stars; one submission).

gnomAD v4.1: 90 of 1,613,842 alleles (0.0056%); highest among the groups gnomAD compares: African/African-American, 0.091%; no homozygotes.

Submission:

CeGaT Center for Human Genetics Tuebingen
Classification: Likely benign. Last evaluated: 2026-05-01. Review status: criteria provided, single submitter. Criteria: CeGaT Center For Human Genetics Tuebingen Variant Classification Criteria Version 2. Collection method: clinical testing. Allele origin: germline. Affected: yes. Observed: 2 variant alleles.
Comment: TAF4: BP4, BP7

NM_003185.4(TAF4):c.1662C>A (p.Gly554=)

Gene: TAF4 (TATA-box binding protein associated factor 4; minus strand). Cytogenetic location: 20q13.33.
Variant type: single nucleotide variant.
Coding change: c.1662C>A on transcript NM_003185.4 (MANE Select); coding-DNA position 1662, C replaced by A.
Protein change: p.Gly554=; no amino-acid change (glycine 554 retained).
Molecular consequence: synonymous variant.
Genome position (GRCh38, 1-based): chr20:62,010,145, G>T on the plus strand (C>A on the coding strand, the complement: TAF4 is on the minus strand). VCF-style: chr20-62010145-G-T. GRCh37 (hg19) VCF-style: chr20-60585201-G-T.
Identifiers: ClinVar variation 3777994 (VCV003777994.7).